The following is an entry in ClinVar:

ClinVar aggregate classification (germline): Uncertain significance. Review status: criteria provided, multiple submitters, no conflicts (2 of 4 stars). 2 submissions from 2 submitters: Uncertain significance (2). Last evaluated 2026-04-15.

Conditions:
Long QT syndrome (LQTS). Identifiers: MedGen C0023976, MeSH D008133, MONDO:0002442. Disease mechanism: loss of function. Inheritance: Various modes of inheritance.

Submissions (2):

GeneDx
Classification: Uncertain significance. Last evaluated: 2026-04-15. Review status: criteria provided, single submitter. Criteria: GeneDx Variant Classification Process June 2021. Collection method: clinical testing. Allele origin: germline.
Comment: Not observed at significant frequency in large population cohorts (gnomAD); In silico analysis supports that this missense variant has a deleterious effect on protein structure/function; Has not been previously published as pathogenic or benign to our knowledge

Labcorp Genetics (formerly Invitae), Labcorp
Classification: Uncertain significance for Long QT syndrome. Last evaluated: 2017-06-05. Review status: criteria provided, single submitter. Criteria: Invitae Variant Classification Sherloc (09022015). Collection method: clinical testing. Allele origin: germline.
Comment: This sequence change replaces isoleucine with lysine at codon 359 of the KCNH2 protein (p.Ile359Lys). The isoleucine residue is weakly conserved and there is a moderate physicochemical difference between isoleucine and lysine. This variant is not present in population databases (ExAC no frequency). This variant has not been reported in the literature in individuals with a KCNH2-related disease. Algorithms developed to predict the effect of missense changes on protein structure and function do not agree on the potential impact of this missense change (SIFT: "Tolerated"; PolyPhen-2: "Probably Damaging"; Align-GVGD: "Class C0"). In summary, this variant has uncertain impact on KCNH2 function. The available evidence is currently insufficient to determine its role in disease. Therefore, it has been classified as a Variant of Uncertain Significance. This variant identified in the KCNH2 gene is located in the cytoplasmic N-terminal region of the resulting protein (PMID: 19841300, 25348405). It is unclear how this variant impacts the function of this protein.

Literature cited by the submitters: PubMed 19841300 (cited by Labcorp Genetics (formerly Invitae), Labcorp); PubMed 25348405 (cited by Labcorp Genetics (formerly Invitae), Labcorp).

NM_000238.4(KCNH2):c.1076T>A (p.Ile359Lys)

Gene: KCNH2 (potassium voltage-gated channel subfamily H member 2; minus strand). Cytogenetic location: 7q36.1.
Variant type: single nucleotide variant.
Coding change: c.1076T>A on transcript NM_000238.4 (MANE Select); coding-DNA position 1076, T replaced by A.
Protein change: p.Ile359Lys; replaces isoleucine 359 with lysine.
Molecular consequence: missense variant.
Genome position (GRCh38, 1-based): chr7:150,957,343, A>T on the plus strand (T>A on the coding strand, the complement: KCNH2 is on the minus strand). VCF-style: chr7-150957343-A-T. GRCh37 (hg19) VCF-style: chr7-150654431-A-T.
Other names: c.1076T>A (NM_000238.2); c.788T>A, p.Ile263Lys (NM_001406753.1, NM_001406756.1); c.899T>A, p.Ile300Lys (NM_001406755.1); c.776T>A, p.Ile259Lys (NM_001406757.1); c.1076T>A, p.Ile359Lys (NM_172056.3); short protein forms I359K, I300K, I259K, I263K.
Identifiers: ClinVar variation 456877 (VCV000456877.10), dbSNP rs1554427331, ClinGen allele CA369861521.